The following is an entry in ClinVar:

NM_000070.3(CAPN3):c.1904A>G (p.Gln635Arg)

Gene: CAPN3 (calpain 3; plus strand). Cytogenetic location: 15q15.1.
Variant type: single nucleotide variant.
Coding change: c.1904A>G on transcript NM_000070.3 (MANE Select); coding-DNA position 1904, A replaced by G.
Protein change: p.Gln635Arg; replaces glutamine 635 with arginine.
Molecular consequence: missense variant. On other transcripts: intron variant (3).
Genome position (GRCh38, 1-based): chr15:42,408,314, A>G. VCF-style: chr15-42408314-A-G. GRCh37 (hg19) VCF-style: chr15-42700512-A-G.
Other names: c.1886A>G, p.Gln629Arg (NM_024344.2); c.368A>G, p.Gln123Arg (NM_173088.2); c.*1002A>G (NM_212464.2); c.*1579A>G (NM_212467.2); c.1639-989A>G (NM_173087.2); c.-81-989A>G (NM_173090.2, NM_173089.2); short protein forms Q123R, Q635R, Q629R.
Identifiers: ClinVar variation 1919175 (VCV001919175.5), dbSNP rs2054087100, ClinGen allele CA392000889.
Genomic context (GRCh38, chr15:42,408,314, plus strand): 5'-TGGGTGTGGACCAGGAGTCAGAGGAGGGCAAAGGCAAAACAAGCCCTGATAAGCAAAAGC[A>G]GTCCCCACAGGTGTCTGGGCATGTGGCATGGGTGGGGTGGCCAGCACGCTACAGGGGCTT-3'
Protein context (NP_000061.1, residues 625-645): KGKTSPDKQK[Gln635Arg]SPQPQPGSSD

ClinVar aggregate classification (germline): Uncertain significance (1 of 4 stars; one submission).

Conditions:
Autosomal recessive limb-girdle muscular dystrophy type 2A (LGMDR1). Also called: Muscular dystrophy, limb-girdle, type 2A, Amish; Limb-girdle muscular dystrophy, type 2A; Calpainopathy; LEYDEN-MOEBIUS MUSCULAR DYSTROPHY; MUSCULAR DYSTROPHY, PELVOFEMORAL. Identifiers: Orphanet 267, MedGen C1869123, MONDO:0009675, OMIM 253600. Disease mechanism: loss of function.

Allele frequency attached by ClinVar (database versions not stated): gnomAD exomes below 0.00001.
gnomAD v4.1: 1 of 1,610,710 alleles (0.000062%); highest among the groups gnomAD compares: Non-Finnish European, 0.000085%; no homozygotes.

Submission:

Labcorp Genetics (formerly Invitae), Labcorp
Classification: Uncertain significance for Autosomal recessive limb-girdle muscular dystrophy type 2A. Last evaluated: 2023-08-04. Review status: criteria provided, single submitter. Criteria: Invitae Variant Classification Sherloc (09022015). Collection method: clinical testing. Allele origin: germline.
Comment: In summary, the available evidence is currently insufficient to determine the role of this variant in disease. Therefore, it has been classified as a Variant of Uncertain Significance. Algorithms developed to predict the effect of missense changes on protein structure and function output the following: SIFT: "Not Available"; PolyPhen-2: "Benign"; Align-GVGD: "Not Available". The arginine amino acid residue is found in multiple mammalian species, which suggests that this missense change does not adversely affect protein function. ClinVar contains an entry for this variant (Variation ID: 1919175). This variant has not been reported in the literature in individuals affected with CAPN3-related conditions. This variant is not present in population databases (gnomAD no frequency). This sequence change replaces glutamine, which is neutral and polar, with arginine, which is basic and polar, at codon 635 of the CAPN3 protein (p.Gln635Arg).